The following is an entry in ClinVar:

ClinVar aggregate classification (germline): Benign/Likely benign. Review status: criteria provided, multiple submitters, no conflicts (2 of 4 stars). 8 submissions from 8 submitters: Benign (6); Likely benign (2). Last evaluated 2026-01-31.

Conditions:
Congenital muscular dystrophy due to partial LAMA2 deficiency. Identifiers: MedGen C1842898.
Muscular dystrophy, limb-girdle, autosomal recessive 23. Identifiers: Orphanet 565837, MedGen C4748327, MONDO:0029136, OMIM 618138.
Merosin deficient congenital muscular dystrophy (MDC1A). Also called: Congenital merosin-deficient muscular dystrophy 1A; Congenital Muscular Dystrophy Type 1A (MDC1A). Identifiers: Orphanet 258, MedGen C1263858, MONDO:0011925, OMIM 607855.
LAMA2-related muscular dystrophy (LAMA2-RD). Also called: Laminin alpha 2-related dystrophy. Identifiers: MedGen C5679788, MONDO:0100228.

Allele frequency attached by ClinVar (database versions not stated): gnomAD exomes 0.00065 and 0.00151; ExAC 0.00180; 1000 Genomes Project 0.00399; 1000 Genomes Project 30x 0.00484; gnomAD 0.00665 and 0.00720; TOPMed 0.00712; ESP Exome Variant Server 0.00761.
gnomAD v4.1: 2,005 of 1,613,914 alleles (0.12%); highest among the groups gnomAD compares: African/African-American, 2.4%; 22 homozygotes.

Submissions (8):

Labcorp Genetics (formerly Invitae), Labcorp
Classification: Benign for LAMA2-related muscular dystrophy. Last evaluated: 2026-01-31. Review status: criteria provided, single submitter. Criteria: Invitae Variant Classification Sherloc (09022015). Collection method: clinical testing. Allele origin: germline.

Fulgent Genetics
Classification: Benign for Merosin deficient congenital muscular dystrophy; Muscular dystrophy, limb-girdle, autosomal recessive 23. Last evaluated: 2021-10-14. Review status: criteria provided, single submitter. Criteria: ACMG Guidelines, 2015. Collection method: clinical testing. Allele origin: unknown.

Mayo Clinic Laboratories, Mayo Clinic
Classification: Benign. Last evaluated: 2021-07-26. Review status: criteria provided, single submitter. Criteria: ACMG Guidelines, 2015. Collection method: clinical testing. Allele origin: germline. Observed: 10 variant alleles.
Comment: BS1, BS2, BP4

Illumina Laboratory Services, Illumina
Classification: Likely benign for Congenital muscular dystrophy due to partial LAMA2 deficiency. Last evaluated: 2018-01-12. Review status: criteria provided, single submitter. Criteria: ICSL Variant Classification Criteria 13 December 2019. Collection method: clinical testing. Allele origin: germline.
Comment: This variant was observed in the ICSL laboratory as part of a predisposition screen in an ostensibly healthy population. It had not been previously curated by ICSL or reported in the Human Gene Mutation Database (HGMD: prior to June 1st, 2018), and was therefore a candidate for classification through an automated scoring system. Utilizing variant allele frequency, disease prevalence and penetrance estimates, and inheritance mode, an automated score was calculated to assess if this variant is too frequent to cause the disease. Based on the score and internal cut-off values, a variant classified as likely benign is not then subjected to further curation. The score for this variant resulted in a classification of likely benign for this disease.

Athena Diagnostics
Classification: Benign. Last evaluated: 2017-04-14. Review status: criteria provided, single submitter. Criteria: Athena Diagnostics Criteria. Collection method: clinical testing. Allele origin: germline.

GeneDx
Classification: Benign. Last evaluated: 2016-08-10. Review status: criteria provided, single submitter. Criteria: GeneDx Variant Classification (06012015). Collection method: clinical testing. Allele origin: germline. Affected: yes.
Comment: This variant is considered likely benign or benign based on one or more of the following criteria: it is a conservative change, it occurs at a poorly conserved position in the protein, it is predicted to be benign by multiple in silico algorithms, and/or has population frequency not consistent with disease.

Breakthrough Genomics
Classification: Likely benign. Review status: criteria provided, single submitter. Criteria: ACMG Guidelines, 2015. Collection method: not provided. Allele origin: germline. Inheritance: Autosomal recessive inheritance. Affected: yes.

PreventionGenetics, part of Exact Sciences
Classification: Benign. Review status: criteria provided, single submitter. Criteria: ACMG Guidelines, 2015. Collection method: clinical testing. Allele origin: germline.

NM_000426.4(LAMA2):c.1403C>G (p.Ala468Gly)

Gene: LAMA2 (laminin subunit alpha 2; plus strand). Cytogenetic location: 6q22.33.
Variant type: single nucleotide variant.
Coding change: c.1403C>G on transcript NM_000426.4 (MANE Select); coding-DNA position 1403, C replaced by G.
Protein change: p.Ala468Gly; replaces alanine 468 with glycine.
Molecular consequence: missense variant.
Genome position (GRCh38, 1-based): chr6:129,177,802, C>G. VCF-style: chr6-129177802-C-G. GRCh37 (hg19) VCF-style: chr6-129498947-C-G.
Other names: c.1403C>G, p.Ala468Gly (NM_001079823.2); short protein forms A468G.
Identifiers: ClinVar variation 256052 (VCV000256052.19), dbSNP rs111695726, ClinGen allele CA3992598.